The following is an entry in ClinVar:

NM_005045.4(RELN):c.5528G>A (p.Gly1843Glu)

Gene: RELN (reelin; minus strand). Cytogenetic location: 7q22.1.
Variant type: single nucleotide variant.
Coding change: c.5528G>A on transcript NM_005045.4 (MANE Select); coding-DNA position 5528, G replaced by A.
Protein change: p.Gly1843Glu; replaces glycine 1843 with glutamic acid.
Molecular consequence: missense variant.
Genome position (GRCh38, 1-based): chr7:103,561,533, C>T on the plus strand (G>A on the coding strand, the complement: RELN is on the minus strand). VCF-style: chr7-103561533-C-T. GRCh37 (hg19) VCF-style: chr7-103201980-C-T.
Other names: c.5528G>A, p.Gly1843Glu (NM_173054.3); short protein forms G1843E.
Identifiers: ClinVar variation 956485 (VCV000956485.9), dbSNP rs114313194, ClinGen allele CA4421192.

ClinVar aggregate classification (germline): Uncertain significance (1 of 4 stars; one submission).

Conditions:
Norman-Roberts syndrome (LIS2). Also called: Lissencephaly 2 (Norman-Roberts type). Identifiers: Orphanet 89844, MedGen C0796089, MONDO:0009760, OMIM 257320.
Familial temporal lobe epilepsy 7. Identifiers: Orphanet 101046, MedGen C4225327, MONDO:0014639, OMIM 616436.

gnomAD v4.1: 9 of 1,610,452 alleles (0.00056%); highest among the groups gnomAD compares: South Asian, 0.0022%; no homozygotes.

Submission:

Labcorp Genetics (formerly Invitae), Labcorp
Classification: Uncertain significance for Familial temporal lobe epilepsy 7; Norman-Roberts syndrome. Last evaluated: 2024-03-11. Review status: criteria provided, single submitter. Criteria: Invitae Variant Classification Sherloc (09022015). Collection method: clinical testing. Allele origin: germline.
Comment: This sequence change replaces glycine, which is neutral and non-polar, with glutamic acid, which is acidic and polar, at codon 1843 of the RELN protein (p.Gly1843Glu). This variant is present in population databases (rs114313194, gnomAD 0.003%). This variant has not been reported in the literature in individuals affected with RELN-related conditions. ClinVar contains an entry for this variant (Variation ID: 956485). An algorithm developed to predict the effect of missense changes on protein structure and function (PolyPhen-2) suggests that this variant is likely to be disruptive. In summary, the available evidence is currently insufficient to determine the role of this variant in disease. Therefore, it has been classified as a Variant of Uncertain Significance.